The following is an entry in ClinVar:

ClinVar aggregate classification (germline): Pathogenic/Likely pathogenic. Review status: criteria provided, multiple submitters, no conflicts (2 of 4 stars). 6 submissions from 6 submitters: Pathogenic (3); Likely pathogenic (3). Last evaluated 2025-12-29.

Conditions:
Hereditary cancer-predisposing syndrome. Also called: Hereditary Cancer Syndrome; Neoplastic Syndromes, Hereditary; Tumor predisposition; Hereditary neoplastic syndrome. Identifiers: Orphanet 140162, MedGen C0027672, MeSH D009386, MONDO:0015356.
Lynch syndrome 4 (LYNCH4). Also called: Colorectal cancer, hereditary nonpolyposis, type 4; Hereditary non-polyposis colorectal cancer, type 4. Identifiers: Orphanet 144, MedGen C1838333, MONDO:0013699, OMIM 614337. Disease mechanism: loss of function.
Lynch syndrome. Identifiers: Orphanet 144, MedGen C4552100, MONDO:0005835. Disease mechanism: loss of function.
Hereditary nonpolyposis colorectal neoplasms. Identifiers: MedGen C0009405, MeSH D003123.

Allele frequency attached by ClinVar (database versions not stated): TOPMed below 0.00001; gnomAD 0.00001.

Submissions (6):

Center for Genomic Medicine, Rigshospitalet, Copenhagen University Hospital
Classification: Likely pathogenic. Last evaluated: 2025-12-29. Review status: criteria provided, single submitter. Criteria: ACMG Guidelines, 2015. Collection method: clinical testing. Allele origin: germline.

Clinical Genetics Laboratory, Skane University Hospital Lund
Classification: Likely pathogenic for Lynch syndrome 4. Last evaluated: 2025-11-11. Review status: criteria provided, single submitter. Criteria: ACMG Guidelines, 2015. Collection method: clinical testing. Allele origin: germline. Affected: yes.
Comment: The variant has been classified as likely pathogenic according to the following gene-specific criteria (ClinGen InSiGHT Hereditary Colorectal Cancer/Polyposis Expert Panel Specifications to the ACMG/AMP Variant Interpretation Guidelines for PMS2 Version 1.0.0): PVS1_moderate, PM2_supporting, and PP4_strong.

Labcorp Genetics (formerly Invitae), Labcorp
Classification: Pathogenic for Hereditary nonpolyposis colorectal neoplasms. Last evaluated: 2025-04-28. Review status: criteria provided, single submitter. Criteria: Invitae Variant Classification Sherloc (09022015). Collection method: clinical testing. Allele origin: germline.
Comment: This sequence change creates a premature translational stop signal (p.Gly795Trpfs*29) in the PMS2 gene. While this is not anticipated to result in nonsense mediated decay, it is expected to disrupt the last 68 amino acid(s) of the PMS2 protein. The frequency data for this variant in the population databases (gnomAD) is considered unreliable due to the presence of homologous sequence, such as pseudogenes or paralogs, in the genome. This premature translational stop signal has been observed in individual(s) with clinical features of Lynch syndrome (PMID: 20587412, 31433215). ClinVar contains an entry for this variant (Variation ID: 480351). This variant disrupts a region of the PMS2 protein in which other variant(s) (p.Trp841Glyfs*10) have been determined to be pathogenic (PMID: 10037723, 26116798, 28218421, 30764633). This suggests that this is a clinically significant region of the protein, and that variants that disrupt it are likely to be disease-causing. For these reasons, this variant has been classified as Pathogenic.

Ambry Genetics
Classification: Pathogenic for Hereditary cancer-predisposing syndrome. Last evaluated: 2023-11-15. Review status: criteria provided, single submitter. Criteria: Ambry Variant Classification Scheme 2023. Collection method: clinical testing. Allele origin: germline.
Comment: The c.2382dupT pathogenic mutation, located in coding exon 14 of the PMS2 gene, results from a duplication of T at nucleotide position 2382, causing a translational frameshift with a predicted alternate stop codon (p.G795Wfs*29). This alteration occurs at the 3' terminus of thePMS2 gene, is not expected to trigger nonsense-mediated mRNA decay, and only impacts the last 68 amino acids of the protein. However, premature stop codons are typically deleterious in nature and the impacted region is critical for protein function (Ambry internal data). This mutation has been reported in multiple individuals from a family that meets Bethesda criteria for Lynch syndrome, and the tumor of at least one of these individuals was found to have absence of PMS2 via immunohistochemistry testing (Sjursen W et al. J. Med. Genet., 2010 Sep;47:579-85). Based on the supporting evidence, this alteration is interpreted as a disease-causing mutation.

Laboratory for Molecular Medicine, Mass General Brigham Personalized Medicine
Classification: Likely pathogenic for Lynch syndrome. Last evaluated: 2023-10-23. Review status: criteria provided, single submitter. Criteria: ACMG Guidelines, 2015. Collection method: clinical testing. Allele origin: germline.
Comment: The p.Gly795TrpfsX29 variant in PMS2 has been reported in 1 individual with PMS2-related cancers and segregated with disease in 2 affected relatives (Sjursen 2010 PMID: 20587412). The variant was absent from large population studies. This variant is predicted to cause a frameshift, which alters the protein’s amino acid sequence beginning at position 795 and leads to a premature termination codon 29 amino acids downstream. This termination codon occurs within the last exon and is, therefore, likely to escape nonsense mediated decay (NMD) and result in a truncated protein. This truncation impacts the critical MLH1 interaction domain (amino acids 675-850) and would impair protein function (Guerrette 1998 PMID: 10037723). In addition, several loss-of-function variants occuring nearby as well as downstream of this variant have been reported in individuals with PMS2-related cancers. In summary, although additional studies are required to fully establish its clinical significance, this variant meets criteria to be classified as likely pathogenic for autosomal dominant hereditary non-polyposis colorectal cancer syndrome. ACMG/AMP Criteria applied: VS1_Strong, PM1, PM2_Supporting, PS4_Supporting. Please note, this variant is in a region with high homology to the PMS2 pseudogene and should be confirmed by another orthogonal assay.

Myriad Genetics, Inc.
Classification: Pathogenic for Lynch syndrome 4. Last evaluated: 2023-09-22. Review status: criteria provided, single submitter. Criteria: Myriad Autosomal Dominant, Autosomal Recessive and X-Linked Classification Criteria (2023). Collection method: clinical testing. Allele origin: unknown.
Comment: This variant is considered pathogenic. This variant creates a frameshift predicted to result in premature protein truncation.

Literature cited by the submitters: PubMed 31433215 (cited by Center for Genomic Medicine, Rigshospitalet, Copenhagen University Hospital and Labcorp Genetics (formerly Invitae), Labcorp); PubMed 20587412 (cited by 3 submitters); PubMed 10037723 (cited by Labcorp Genetics (formerly Invitae), Labcorp); PubMed 26116798 (cited by Labcorp Genetics (formerly Invitae), Labcorp); PubMed 28218421 (cited by Labcorp Genetics (formerly Invitae), Labcorp); PubMed 30764633 (cited by Labcorp Genetics (formerly Invitae), Labcorp).

NM_000535.7(PMS2):c.2382dup (p.Gly795fs)

Gene: PMS2 (PMS1 homolog 2, mismatch repair system component; minus strand). Cytogenetic location: 7p22.1.
Variant type: Duplication.
Coding change: c.2382dup on transcript NM_000535.7 (MANE Select); coding-DNA position 2382, one base duplicated (T; older notation c.2382dupT).
Protein change: p.Gly795fs; shifts the reading frame from glycine 795.
Molecular consequence: frameshift variant. On other transcripts: non-coding transcript variant (1).
Genome position (GRCh38, 1-based): chr7:5,977,651, A duplicated on the plus strand (T on the coding strand, the reverse complement: PMS2 is on the minus strand). VCF-style (leftmost placement, unchanged base first): chr7-5977650-C-CA. GRCh37 (hg19) VCF-style: chr7-6017281-C-CA.
Other names: c.1977dup, p.Gly660fs (NM_001322003.2, NM_001322004.2, NM_001322005.2); c.2226dup, p.Gly743fs (NM_001322006.2); c.2064dup, p.Gly689fs (NM_001322007.2, NM_001322008.2); c.2010dup, p.Gly671fs (NM_001322009.2); c.1821dup, p.Gly608fs (NM_001322010.2); c.1449dup, p.Gly484fs (NM_001322011.2, NM_001322012.2); c.1809dup, p.Gly604fs (NM_001322013.2); c.2415dup, p.Gly806fs (NM_001322014.2); and 2 more; short protein forms G484fs, G671fs, G689fs, G806fs, G608fs, G660fs, G795fs, G604fs.
Identifiers: ClinVar variation 480351 (VCV000480351.19), dbSNP rs1231406078, ClinGen allele CA658655959.